The following is an entry in ClinVar:

NM_001848.3(COL6A1):c.739-11del

Gene: COL6A1 (collagen type VI alpha 1 chain; plus strand). Cytogenetic location: 21q22.3.
Variant type: Deletion.
Coding change: c.739-11del on transcript NM_001848.3 (MANE Select); 11 bases into the intron before coding-DNA position 739, one base deleted (T; older notation c.739-11delT).
Molecular consequence: intron variant.
Genome position (GRCh38, 1-based): chr21:45,987,488, T deleted; the last of 3 consecutive T bases (chr21:45,987,486-45,987,488); deleting any one gives the same sequence. VCF-style (leftmost placement, unchanged base first): chr21-45987485-CT-C. GRCh37 (hg19) VCF-style: chr21-47407399-CT-C.
Other names: c.739-11delT (NM_001848.2).
Identifiers: ClinVar variation 515174 (VCV000515174.13), dbSNP rs573196191, ClinGen allele CA10069700.

ClinVar aggregate classification (germline): Benign/Likely benign. Review status: criteria provided, multiple submitters, no conflicts (2 of 4 stars). 3 submissions from 3 submitters: Benign (1); Likely benign (2). Last evaluated 2026-01-22.

Conditions:
Bethlem myopathy 1A. Also called: Bethlem myopathy 1; Bethlem Muscular Dystrophy; MYOPATHY, BENIGN CONGENITAL, WITH CONTRACTURES. Identifiers: Orphanet 610, MedGen CN029274, MONDO:0024530, OMIM 158810.

Submissions (3):

Labcorp Genetics (formerly Invitae), Labcorp
Classification: Benign for Bethlem myopathy 1A. Last evaluated: 2026-01-22. Review status: criteria provided, single submitter. Criteria: Invitae Variant Classification Sherloc (09022015). Collection method: clinical testing. Allele origin: germline.

GeneDx
Classification: Likely benign. Last evaluated: 2023-06-12. Review status: criteria provided, single submitter. Criteria: GeneDx Variant Classification Process June 2021. Collection method: clinical testing. Allele origin: germline. Affected: yes.
Comment: See Variant Classification Assertion Criteria.

Blueprint Genetics
Classification: Likely benign. Last evaluated: 2022-05-13. Review status: criteria provided, single submitter. Criteria: ACMG Guidelines, 2015. Collection method: clinical testing. Allele origin: germline.